The following is an entry in ClinVar:

ClinVar aggregate classification (germline): Likely benign (0 of 4 stars; one submission).

Conditions:
SREBF2-related disorder. Also called: SREBF2-related condiiton.

Allele frequency attached by ClinVar (database versions not stated): 1000 Genomes Project 30x 0.00047; ESP Exome Variant Server 0.00054; gnomAD 0.00055; TOPMed 0.00055; 1000 Genomes Project 0.00060; ExAC 0.00073; gnomAD exomes 0.00093.
gnomAD v4.1: 1,403 of 1,607,042 alleles (0.087%); highest among the groups gnomAD compares: Non-Finnish European, 0.11%; no homozygotes.

Submissions (7):

PreventionGenetics, part of Exact Sciences
Classification: Likely benign for SREBF2-related condition. Last evaluated: 2019-05-07. Review status: no assertion criteria provided. Collection method: clinical testing. Allele origin: germline.
Comment: This variant is classified as likely benign based on ACMG/AMP sequence variant interpretation guidelines (Richards et al. 2015 PMID: 25741868, with internal and published modifications).

Dr. Peter K. Rogan Lab, Western University
No classification provided (evidence only). Condition: Lung cancer. Review status: no classification provided. Collection method: in vitro. Allele origin: not applicable. Functional consequence: retained intron. Not counted in ClinVar's aggregate classification.

Dr. Peter K. Rogan Lab, Western University
No classification provided (evidence only). Condition: Familial cancer of breast. Review status: no classification provided. Collection method: in vitro. Allele origin: not applicable. Functional consequence: retained intron. Not counted in ClinVar's aggregate classification.

Dr. Peter K. Rogan Lab, Western University
No classification provided (evidence only). Condition: Familial cancer of breast. Review status: no classification provided. Collection method: in vitro. Allele origin: not applicable. Functional consequence: skipped exon, retained intron. Not counted in ClinVar's aggregate classification.

Dr. Peter K. Rogan Lab, Western University
No classification provided (evidence only). Condition: Ovarian serous cystadenocarcinoma. Review status: no classification provided. Collection method: in vitro. Allele origin: not applicable. Functional consequence: retained intron. Not counted in ClinVar's aggregate classification.

Dr. Peter K. Rogan Lab, Western University
No classification provided (evidence only). Condition: Gastric cancer. Review status: no classification provided. Collection method: in vitro. Allele origin: not applicable. Functional consequence: retained intron. Not counted in ClinVar's aggregate classification.

Dr. Peter K. Rogan Lab, Western University
No classification provided (evidence only). Condition: Uterine carcinosarcoma. Review status: no classification provided. Collection method: in vitro. Allele origin: not applicable. Functional consequence: retained intron. Not counted in ClinVar's aggregate classification.

NM_004599.4(SREBF2):c.720G>A (p.Pro240=)

Gene: SREBF2 (sterol regulatory element binding transcription factor 2; plus strand). Cytogenetic location: 22q13.2.
Variant type: single nucleotide variant.
Coding change: c.720G>A on transcript NM_004599.4 (MANE Select); coding-DNA position 720, G replaced by A.
Protein change: p.Pro240=; no amino-acid change (proline 240 retained).
Molecular consequence: synonymous variant. On other transcripts: non-coding transcript variant (1).
Genome position (GRCh38, 1-based): chr22:41,868,792, G>A. VCF-style: chr22-41868792-G-A. GRCh37 (hg19) VCF-style: chr22-42264796-G-A.
Other names: NC_000022.10:g.42264796G>A.
Identifiers: ClinVar variation 3037307 (VCV003037307.3), dbSNP rs146478432, ClinGen allele CA10261462.
Genomic context (GRCh38, chr22:41,868,792, plus strand): 5'-GCAGACCCTTGCCCCGGCTACGGTGCAGACAGTTGCTGCGCCACAGGTGCAGCAGGTCCC[G>A]GTAAGTGGCTGGAAAGGATTCAGGGAGGCACTGGTTGGGGCTGTTAACTGGTCCTTGGTT-3'
Protein context (NP_004590.2, residues 230-250): TVAAPQVQQV[Pro240=]VLVQPQIIKT